The following is an entry in ClinVar:

ClinVar aggregate classification (germline): Pathogenic/Likely pathogenic. Review status: criteria provided, multiple submitters, no conflicts (2 of 4 stars). 5 submissions from 5 submitters: Pathogenic (1); Likely pathogenic (4). Last evaluated 2025-08-08.

Conditions:
Hereditary cancer-predisposing syndrome. Also called: Tumor predisposition; Neoplastic Syndromes, Hereditary; Hereditary Cancer Syndrome; Hereditary neoplastic syndrome. Identifiers: Orphanet 140162, MedGen C0027672, MeSH D009386, MONDO:0015356.
Pheochromocytoma/paraganglioma syndrome 4. Also called: CAROTID BODY TUMORS AND MULTIPLE EXTRAADRENAL PHEOCHROMOCYTOMAS; PARAGANGLIOMA, FAMILIAL MALIGNANT; PARAGANGLIOMAS, HEREDITARY EXTRAADRENAL; PHEOCHROMOCYTOMA, FAMILIAL EXTRAADRENAL; SDHB-Related Hereditary Paraganglioma-Pheochromocytoma Syndrome; SDHB-Related Hereditary Paraganglioma-Pheochromocytoma Syndrome (Paragangliomas 4). Identifiers: Orphanet 29072, MedGen C1861848, MONDO:0007273, OMIM 115310.
Paraganglioma. Also called: Carotid body tumor. Identifiers: MedGen C0030421, MONDO:0000448, HP:0002668.
Pheochromocytoma. Also called: MAX-Related Hereditary Paraganglioma-Pheochromocytoma Syndrome. Identifiers: Orphanet 29072, MedGen C0031511, MONDO:0008233, OMIM 171300, HP:0002666.
Gastrointestinal stromal tumor. Also called: Gastrointestinal stroma tumor; Gastrointestinal stromal tumor, somatic. Identifiers: Orphanet 44890, MedGen C0238198, MeSH D046152, MONDO:0011719, OMIM 606764, HP:0100723.

Submissions (5):

Quest Diagnostics Nichols Institute San Juan Capistrano
Classification: Likely pathogenic. Last evaluated: 2025-08-08. Review status: criteria provided, single submitter. Criteria: Quest Diagnostics criteria. Collection method: clinical testing. Allele origin: unknown.
Comment: The SDHB c.206G>T (p.Gly69Val) variant has been reported in the published literature in individuals and families with paraganglioma-pheochromocytoma (PGL-PCC) syndrome (PMIDs: 19454582 (2009), 22517557 (2012), 34906457 (2022), 35870552 (2022)). Assessment of experimental analysis yielded inconclusive results regarding the impact of this variant on protein function (PMIDs: 22517557 (2012), 25405498 (2015)). This variant has not been reported in large, multi-ethnic general populations (Genome Aggregation Database). Analysis of this variant using bioinformatics tools for the prediction of the effect of amino acid changes on protein structure and function yielded predictions that this variant is damaging. Based on the available information, this variant is classified as likely pathogenic.

Ambry Genetics
Classification: Likely pathogenic for Hereditary cancer-predisposing syndrome. Last evaluated: 2025-06-24. Review status: criteria provided, single submitter. Criteria: Ambry Variant Classification Scheme 2023. Collection method: clinical testing. Allele origin: germline.
Comment: The p.G69V variant (also known as c.206G>T), located in coding exon 3 of the SDHB gene, results from a G to T substitution at nucleotide position 206. The glycine at codon 69 is replaced by valine, an amino acid with dissimilar properties. This variant was reported in individual(s) with features consistent with SDHB-related hereditary pheochromocytoma-paraganglioma (Burnichon N et al. J Clin Endocrinol Metab, 2009 Aug;94:2817-27; Ambry internal data). This variant is considered to be rare based on population cohorts in the Genome Aggregation Database (gnomAD). This amino acid position is highly conserved in available vertebrate species. In addition, this alteration is predicted to be deleterious by in silico analysis. Based on the majority of available evidence to date, this variant is likely to be pathogenic.

Myriad Genetics, Inc.
Classification: Likely pathogenic for Pheochromocytoma/paraganglioma syndrome 4. Last evaluated: 2024-06-06. Review status: criteria provided, single submitter. Criteria: Myriad Autosomal Dominant, Autosomal Recessive and X-Linked Classification Criteria (2023). Collection method: clinical testing. Allele origin: unknown.
Comment: This variant is considered likely pathogenic. This variant has been reported in multiple individuals with clinical features of gene-specific disease [PMID: 22517557, 19454582, 34906457, 25405498].

Labcorp Genetics (formerly Invitae), Labcorp
Classification: Likely pathogenic for Gastrointestinal stromal tumor; Pheochromocytoma/paraganglioma syndrome 4; Pheochromocytoma. Last evaluated: 2023-07-08. Review status: criteria provided, single submitter. Criteria: Invitae Variant Classification Sherloc (09022015). Collection method: clinical testing. Allele origin: germline.
Comment: In summary, the currently available evidence indicates that the variant is pathogenic, but additional data are needed to prove that conclusively. Therefore, this variant has been classified as Likely Pathogenic. Advanced modeling of protein sequence and biophysical properties (such as structural, functional, and spatial information, amino acid conservation, physicochemical variation, residue mobility, and thermodynamic stability) performed at Invitae indicates that this missense variant is expected to disrupt SDHB protein function. ClinVar contains an entry for this variant (Variation ID: 1687624). This missense change has been observed in individuals with paraganglioma-pheochromocytoma syndromes (PMID: 19454582, 25405498, 34906457; Invitae). This variant is not present in population databases (gnomAD no frequency). This sequence change replaces glycine, which is neutral and non-polar, with valine, which is neutral and non-polar, at codon 69 of the SDHB protein (p.Gly69Val).

Cancer Variant Interpretation Group UK, Institute of Cancer Research, London
Classification: Pathogenic for Paraganglioma. Last evaluated: 2022-03-11. Review status: criteria provided, single submitter. Criteria: ACMG Guidelines, 2015. Collection method: clinical testing, curation. Allele origin: germline, unknown. Affected: yes. Observed: 7 variant alleles.
Comment: Data included in classification: Case/Control: 6/6118 probands in Garrett et al. 2021 (DOI 10.1016/j.gim.2021.08.004) vs 0/118479 control (gnomAD) (PS4_mod) Absent from gnomAD (PM2_mod) Revel 0.96 (>0.7) (PP3_sup) Phenotypic data Multiple observations in cases of phaeochromocytoma/paraganglioma in whilst absent from gnomAD, high succinate: fumarate ratio, one familial case in an online resource 10.1055/s-0032-1304594, one head and neck paraganglioma case in UK family (PP4_VSTR) Data not included in classification: IHC staining in 1 proband conflicting evidence No obvious biological effect of G69V predicted by structural homology model (Kim et al., 2015, DOI 10.1530/erc-15-0099)

Literature cited by the submitters: PubMed 19454582 (cited by 4 submitters); PubMed 22517557 (cited by Myriad Genetics, Inc. and Cancer Variant Interpretation Group UK, Institute of Cancer Research, London); PubMed 34906457 (cited by 3 submitters); PubMed 25405498 (cited by Myriad Genetics, Inc. and Labcorp Genetics (formerly Invitae), Labcorp).

NM_003000.3(SDHB):c.206G>T (p.Gly69Val)

Gene: SDHB (succinate dehydrogenase complex iron sulfur subunit B; minus strand). Cytogenetic location: 1p36.13.
Variant type: single nucleotide variant.
Coding change: c.206G>T on transcript NM_003000.3 (MANE Select); coding-DNA position 206, G replaced by T.
Protein change: p.Gly69Val; replaces glycine 69 with valine.
Molecular consequence: missense variant.
Genome position (GRCh38, 1-based): chr1:17,033,140, C>A on the plus strand (G>T on the coding strand, the complement: SDHB is on the minus strand). VCF-style: chr1-17033140-C-A. GRCh37 (hg19) VCF-style: chr1-17359635-C-A.
Other names: short protein forms G69V.
Identifiers: ClinVar variation 1687624 (VCV001687624.7), dbSNP rs2101529108, ClinGen allele CA338276633.